The following is an entry in ClinVar:

ClinVar aggregate classification (germline): Uncertain significance (1 of 4 stars; one submission).

Conditions:
Inborn genetic diseases. Identifiers: MedGen C0950123, MeSH D030342.

gnomAD v4.1: 1 of 1,614,084 alleles (0.000062%); highest among the groups gnomAD compares: Non-Finnish European, 0.000085%; no homozygotes.

Submission:

Ambry Genetics
Classification: Uncertain significance for Inborn genetic diseases. Last evaluated: 2026-08-04. Review status: criteria provided, single submitter. Criteria: Ambry Variant Classification Scheme 2023. Collection method: clinical testing. Allele origin: germline.
Comment: The c.1034C>T (p.S345L) alteration is located in exon 10 (coding exon 10) of the PSMC3 gene. This alteration results from a C to T substitution at nucleotide position 1034, causing the serine (S) at amino acid position 345 to be replaced by a leucine (L). Based on data from gnomAD, the T allele has an overall frequency of 0.003% (1/31390) total alleles studied. The highest observed frequency was 0.007% (1/15420) of European (non-Finnish) alleles. Based on insufficient or conflicting evidence, the clinical significance of this alteration remains unclear.

NM_002804.5(PSMC3):c.1034C>T (p.Ser345Leu)

Gene: PSMC3 (proteasome 26S subunit, ATPase 3; minus strand). Cytogenetic location: 11p11.2.
Variant type: single nucleotide variant.
Coding change: c.1034C>T on transcript NM_002804.5 (MANE Select); coding-DNA position 1034, C replaced by T.
Protein change: p.Ser345Leu; replaces serine 345 with leucine.
Molecular consequence: missense variant.
Genome position (GRCh38, 1-based): chr11:47,420,357, G>A on the plus strand (C>T on the coding strand, the complement: PSMC3 is on the minus strand). VCF-style: chr11-47420357-G-A. GRCh37 (hg19) VCF-style: chr11-47441908-G-A.
Other names: short protein forms S345L.
Identifiers: ClinVar variation 5027414 (VCV005027414.1).